The following is an entry in ClinVar:

ClinVar aggregate classification (germline): Likely benign (1 of 4 stars; one submission).

Conditions:
SEMA3B-related disorder. Also called: SEMA3B-related condition.

gnomAD v4.1: 35 of 1,534,854 alleles (0.0023%); highest among the groups gnomAD compares: Non-Finnish European, 0.0031%; no homozygotes.

Submission:

PreventionGenetics, part of Exact Sciences
Classification: Likely benign for SEMA3B-related condition. Last evaluated: 2025-04-14. Review status: criteria provided, single submitter. Criteria: ACMG Guidelines, 2015. Collection method: clinical testing. Allele origin: germline.
Comment: This variant is classified as likely benign based on ACMG/AMP sequence variant interpretation guidelines (Richards et al. 2015 PMID: 25741868, with internal and published modifications).

NM_001290060.2(SEMA3B):c.1911G>C (p.Arg637=)

Gene: SEMA3B (semaphorin 3B; plus strand). Cytogenetic location: 3p21.31.
Variant type: single nucleotide variant.
Coding change: c.1911G>C on transcript NM_001290060.2 (MANE Select); coding-DNA position 1911, G replaced by C.
Protein change: p.Arg637=; no amino-acid change (arginine 637 retained).
Molecular consequence: synonymous variant. On other transcripts: non-coding transcript variant (1).
Genome position (GRCh38, 1-based): chr3:50,276,367, G>C. VCF-style: chr3-50276367-G-C. GRCh37 (hg19) VCF-style: chr3-50313798-G-C.
Other names: c.1908G>C, p.Arg636= (NM_001005914.3); c.1926G>C, p.Arg642= (NM_001290061.1); c.882G>C, p.Arg294= (NM_001290062.2, NM_001290063.2); c.1911G>C, p.Arg637= (NM_004636.4).
Identifiers: ClinVar variation 3356538 (VCV003356538.2).